The following is an entry in ClinVar:

ClinVar aggregate classification (germline): Pathogenic (1 of 4 stars; one submission).

Conditions:
Hereditary cancer-predisposing syndrome. Also called: Tumor predisposition; Neoplastic Syndromes, Hereditary; Hereditary Cancer Syndrome; Hereditary neoplastic syndrome. Identifiers: Orphanet 140162, MedGen C0027672, MeSH D009386, MONDO:0015356.

Submission:

Ambry Genetics
Classification: Pathogenic for Hereditary cancer-predisposing syndrome. Last evaluated: 2024-11-12. Review status: criteria provided, single submitter. Criteria: Ambry Variant Classification Scheme 2023. Collection method: clinical testing. Allele origin: germline.
Comment: The c.498_502dupTGAAA pathogenic mutation, located in coding exon 4 of the CDH1 gene, results from a duplication of TGAAA at nucleotide position 498, causing a translational frameshift with a predicted alternate stop codon (p.K168Mfs*49). This variant is considered to be rare based on population cohorts in the Genome Aggregation Database (gnomAD). This alteration is expected to result in loss of function by premature protein truncation or nonsense-mediated mRNA decay. As such, this alteration is interpreted as a disease-causing mutation.

NM_004360.5(CDH1):c.498_502dup (p.Lys168fs)

Gene: CDH1 (cadherin 1; plus strand). Cytogenetic location: 16q22.1.
Variant type: Duplication.
Coding change: c.498_502dup on transcript NM_004360.5 (MANE Select); coding-DNA positions 498 to 502, 5 bases duplicated (TGAAA; older notation c.498_502dupTGAAA).
Protein change: p.Lys168fs; shifts the reading frame from lysine 168.
Molecular consequence: frameshift variant. On other transcripts: 5 prime UTR variant (2).
Genome position (GRCh38, 1-based): chr16:68,808,534-68,808,538, TGAAA duplicated; duplicating any 5 consecutive bases within chr16:68,808,531-68,808,538 gives the same sequence; the c. name uses the placement nearest the transcript's 3' end. VCF-style (leftmost placement, unchanged base first): chr16-68808530-A-AAAATG. GRCh37 (hg19) VCF-style: chr16-68842433-A-AAAATG.
Other names: c.498_502dup, p.Lys168fs (NM_001317184.2); c.-1118_-1114dup (NM_001317185.2); c.-1322_-1318dup (NM_001317186.2); c.498_502dupTGAAA (NM_004360.3); short protein forms K168fs.
Identifiers: ClinVar variation 3488672 (VCV003488672.1).